The following is an entry in ClinVar:

NM_177438.3(DICER1):c.1665A>G (p.Ala555=)

Gene: DICER1 (dicer 1, ribonuclease III; minus strand). Cytogenetic location: 14q32.13.
Variant type: single nucleotide variant.
Coding change: c.1665A>G on transcript NM_177438.3 (MANE Select); coding-DNA position 1665, A replaced by G.
Protein change: p.Ala555=; no amino-acid change (alanine 555 retained).
Molecular consequence: synonymous variant.
Genome position (GRCh38, 1-based): chr14:95,116,540, T>C on the plus strand (A>G on the coding strand, the complement: DICER1 is on the minus strand). VCF-style: chr14-95116540-T-C. GRCh37 (hg19) VCF-style: chr14-95582877-T-C.
Other names: c.1665A>G, p.Ala555= (NM_001195573.1, NM_001271282.3, NM_001291628.2 and 1 more transcripts).
Identifiers: ClinVar variation 543669 (VCV000543669.16), dbSNP rs1555372863, ClinGen allele CA487845147.

ClinVar aggregate classification (germline): Benign/Likely benign. Review status: criteria provided, multiple submitters, no conflicts (2 of 4 stars). 3 submissions from 3 submitters: Benign (1); Likely benign (2). Last evaluated 2026-08-19.

Conditions:
DICER1-related tumor predisposition. Also called: DICER1 syndrome; DICER1-related pleuropulmonary blastoma cancer predisposition syndrome. Identifiers: Orphanet 284343, MedGen C3839822, MONDO:0100216.
Hereditary cancer-predisposing syndrome. Also called: Tumor predisposition; Neoplastic Syndromes, Hereditary; Hereditary Cancer Syndrome; Hereditary neoplastic syndrome. Identifiers: Orphanet 140162, MedGen C0027672, MeSH D009386, MONDO:0015356.

Allele frequency attached by ClinVar (database versions not stated): gnomAD exomes below 0.00001; TOPMed below 0.00001; gnomAD 0.00001.
gnomAD v4.1: 3 of 1,613,918 alleles (0.00019%); highest among the groups gnomAD compares: Non-Finnish European, 0.00025%; no homozygotes.

Submissions (3):

Myriad Genetics, Inc.
Classification: Benign for DICER1-related tumor predisposition. Last evaluated: 2026-08-19. Review status: criteria provided, single submitter. Criteria: Myriad Autosomal Dominant, Autosomal Recessive and X-Linked Classification Criteria (2023). Collection method: clinical testing. Allele origin: unknown.
Comment: This variant is considered benign. This variant is a silent/synonymous amino acid change and it is not expected to impact splicing.

Labcorp Genetics (formerly Invitae), Labcorp
Classification: Likely benign for DICER1-related tumor predisposition. Last evaluated: 2025-03-27. Review status: criteria provided, single submitter. Criteria: Invitae Variant Classification Sherloc (09022015). Collection method: clinical testing. Allele origin: germline.

Ambry Genetics
Classification: Likely benign for Hereditary cancer-predisposing syndrome. Last evaluated: 2020-11-25. Review status: criteria provided, single submitter. Criteria: Ambry Variant Classification Scheme 2023. Collection method: clinical testing. Allele origin: germline.